The following is an entry in ClinVar:

ClinVar aggregate classification (germline): Uncertain significance (1 of 4 stars; one submission).

Conditions:
Majeed syndrome (MJDS). Also called: CHRONIC RECURRENT MULTIFOCAL OSTEOMYELITIS 1, WITH CONGENITAL DYSERYTHROPOIETIC ANEMIA, WITH OR WITHOUT NEUTROPHILIC DERMATOSIS; LPIN2-Related Majeed Syndrome. Identifiers: Orphanet 77297, MedGen C1864997, MONDO:0012316, OMIM 609628.

Allele frequency attached by ClinVar (database versions not stated): TOPMed 0.00001; gnomAD 0.00008; gnomAD exomes 0.00008; ExAC 0.00012; 1000 Genomes Project 30x 0.00016; 1000 Genomes Project 0.00020.
gnomAD v4.1: 116 of 1,613,840 alleles (0.0072%); highest among the groups gnomAD compares: Non-Finnish European, 0.0061%; no homozygotes.

Submission:

Labcorp Genetics (formerly Invitae), Labcorp
Classification: Uncertain significance for Majeed syndrome. Last evaluated: 2024-08-05. Review status: criteria provided, single submitter. Criteria: Invitae Variant Classification Sherloc (09022015). Collection method: clinical testing. Allele origin: germline.
Comment: This sequence change replaces leucine, which is neutral and non-polar, with valine, which is neutral and non-polar, at codon 856 of the LPIN2 protein (p.Leu856Val). This variant is present in population databases (rs200839841, gnomAD 0.05%). This variant has not been reported in the literature in individuals affected with LPIN2-related conditions. ClinVar contains an entry for this variant (Variation ID: 1015899). Advanced modeling of protein sequence and biophysical properties (such as structural, functional, and spatial information, amino acid conservation, physicochemical variation, residue mobility, and thermodynamic stability) performed at Invitae indicates that this missense variant is not expected to disrupt LPIN2 protein function with a negative predictive value of 80%. In summary, the available evidence is currently insufficient to determine the role of this variant in disease. Therefore, it has been classified as a Variant of Uncertain Significance.

NM_001375808.2(LPIN2):c.2566C>G (p.Leu856Val)

Gene: LPIN2 (lipin 2; minus strand). Cytogenetic location: 18p11.31.
Variant type: single nucleotide variant.
Coding change: c.2566C>G on transcript NM_001375808.2 (MANE Select); coding-DNA position 2566, C replaced by G.
Protein change: p.Leu856Val; replaces leucine 856 with valine.
Molecular consequence: missense variant.
Genome position (GRCh38, 1-based): chr18:2,920,418, G>C on the plus strand (C>G on the coding strand, the complement: LPIN2 is on the minus strand). VCF-style: chr18-2920418-G-C. GRCh37 (hg19) VCF-style: chr18-2920416-G-C.
Other names: c.2566C>G, p.Leu856Val (NM_001375809.1, NM_014646.2); short protein forms L856V.
Identifiers: ClinVar variation 1015899 (VCV001015899.7), dbSNP rs200839841, ClinGen allele CA8872663.